The following is an entry in ClinVar:

ClinVar aggregate classification (germline): Uncertain significance (1 of 4 stars; one submission).

Submission:

Labcorp Genetics (formerly Invitae), Labcorp
Classification: Uncertain significance. Last evaluated: 2021-05-14. Review status: criteria provided, single submitter. Criteria: Invitae Variant Classification Sherloc (09022015). Collection method: clinical testing. Allele origin: germline.
Comment: In summary, the available evidence is currently insufficient to determine the role of this variant in disease. Therefore, it has been classified as a Variant of Uncertain Significance. Nucleotide substitutions within the consensus splice site are a relatively common cause of aberrant splicing (PMID: 17576681, 9536098). Algorithms developed to predict the effect of sequence changes on RNA splicing suggest that this variant may disrupt the consensus splice site, but this prediction has not been confirmed by published transcriptional studies. This variant has not been reported in the literature in individuals with CWC27-related conditions. This variant is not present in population databases (ExAC no frequency). This sequence change falls in intron 11 of the CWC27 gene. It does not directly change the encoded amino acid sequence of the CWC27 protein. It affects a nucleotide within the consensus splice site of the intron.

Literature cited by the submitters: PubMed 17576681; PubMed 9536098.

NM_005869.4(CWC27):c.1042+4del

Gene: CWC27 (CWC27 spliceosome associated cyclophilin; plus strand). Cytogenetic location: 5q12.3.
Variant type: Deletion.
Coding change: c.1042+4del on transcript NM_005869.4 (MANE Select); 4 bases into the intron after coding-DNA position 1042, one base deleted (A; older notation c.1042+4delA).
Molecular consequence: intron variant.
Genome position (GRCh38, 1-based): chr5:64,885,550, A deleted; the last of 2 consecutive A bases (chr5:64,885,549-64,885,550); deleting either gives the same sequence. VCF-style (leftmost placement, unchanged base first): chr5-64885548-TA-T. GRCh37 (hg19) VCF-style: chr5-64181375-TA-T.
Other names: c.1042+4del (NM_001297644.1, NM_001364478.1).
Identifiers: ClinVar variation 1353678 (VCV001353678.6), dbSNP rs2112343581, ClinGen allele CA2573139718.